The following is an entry in ClinVar:

ClinVar aggregate classification (germline): Pathogenic (1 of 4 stars; one submission).

Conditions:
Seizures, benign familial infantile, 3 (BFIS3). Also called: CONVULSIONS, BENIGN FAMILIAL INFANTILE, 3; Familial neonatal seizures. Identifiers: Orphanet 140927, Orphanet 306, MedGen C1843140, MONDO:0011904, OMIM 607745.
Developmental and epileptic encephalopathy, 11 (DEE11). Also called: Early infantile epileptic encephalopathy 11. Identifiers: Orphanet 1934, MedGen C3150987, MONDO:0013388, OMIM 613721.

Submission:

Labcorp Genetics (formerly Invitae), Labcorp
Classification: Pathogenic for Seizures, benign familial infantile, 3; Developmental and epileptic encephalopathy, 11. Last evaluated: 2022-04-08. Review status: criteria provided, single submitter. Criteria: Invitae Variant Classification Sherloc (09022015). Collection method: clinical testing. Allele origin: germline.
Comment: This sequence change creates a premature translational stop signal (p.Glu289Leufs*2) in the SCN2A gene. It is expected to result in an absent or disrupted protein product. Loss-of-function variants in SCN2A are known to be pathogenic (PMID: 28379373). This variant is not present in population databases (gnomAD no frequency). This variant has not been reported in the literature in individuals affected with SCN2A-related conditions. For these reasons, this variant has been classified as Pathogenic.

Literature cited by the submitters: PubMed 28379373.

NM_001040142.2(SCN2A):c.860_863dup (p.Glu289fs)

Gene: SCN2A (sodium voltage-gated channel alpha subunit 2; plus strand). Cytogenetic location: 2q24.3.
Variant type: Duplication.
Coding change: c.860_863dup on transcript NM_001040142.2 (MANE Select); coding-DNA positions 860 to 863, 4 bases duplicated (CCTT; older notation c.860_863dupCCTT).
Protein change: p.Glu289fs; shifts the reading frame from glutamic acid 289.
Molecular consequence: frameshift variant.
Genome position (GRCh38, 1-based): chr2:165,310,485-165,310,488, CCTT duplicated; duplicating any 4 consecutive bases within chr2:165,310,482-165,310,488 gives the same sequence; the c. name uses the placement nearest the transcript's 3' end. VCF-style (leftmost placement, unchanged base first): chr2-165310481-T-TCTTC. GRCh37 (hg19) VCF-style: chr2-166166991-T-TCTTC.
Other names: c.860_863dup, p.Glu289fs (NM_001040143.2, NM_001371246.1, NM_001371247.1 and 1 more transcripts); short protein forms E289fs.
Identifiers: ClinVar variation 2123337 (VCV002123337.4), dbSNP rs2467890573, ClinGen allele CA2580064221.
Genomic context (GRCh38, chr2:165,310,481, plus strand): 5'-GGATTGCAGTTGTTCATGGGCAACCTACGAAATAAATGTTTGCAATGGCCTCCAGATAAT[T>TCTTC]CTTCCTTTGAAATAAATATCACTTCCTTCTTTAACAATTCATTGGATGGGAATGGTACTA-3'